The following is an entry in ClinVar:

ClinVar aggregate classification (germline): Pathogenic/Likely pathogenic. Review status: criteria provided, multiple submitters, no conflicts (2 of 4 stars). 3 submissions from 3 submitters: Pathogenic (2); Likely pathogenic (1). Last evaluated 2025-06-03.

Conditions:
Congenital dyserythropoietic anemia, type II (CDAN2). Also called: DYSERYTHROPOIETIC ANEMIA, HEMPAS TYPE. Identifiers: Orphanet 98873, MedGen C1306589, MONDO:0009134, OMIM 224100.
Cowden syndrome 7 (CWS7). Identifiers: Orphanet 201, MedGen C4225179, MONDO:0014802, OMIM 616858.

Submissions (3):

Revvity Omics, Revvity
Classification: Pathogenic. Last evaluated: 2025-06-03. Review status: criteria provided, single submitter. Criteria: ACMG Guidelines, 2015. Collection method: clinical testing. Allele origin: germline.

Neuberg Centre For Genomic Medicine, NCGM
Classification: Likely pathogenic for Congenital dyserythropoietic anemia, type II. Last evaluated: 2023-06-22. Review status: criteria provided, single submitter. Criteria: ACMG Guidelines, 2015. Collection method: clinical testing. Allele origin: germline. Inheritance: Autosomal recessive inheritance. Affected: yes.
Comment: The observed frameshift variant in gene has been reported previously in homozygous or compound heterozygous state in individual(s) affected with Congenital dyserythropoietic anemia (Aydin Koker et al., 2018). This variant is reported with the allele frequency of 0.002% in the gnomAD Exomes. This variant has been reported to the ClinVar database as Pathogenic. This variant causes a frameshift starting with codon Valine 164, changes this amino acid to Tryptophan residue, and creates a premature Stop codon at position 3 of the new reading frame, denoted p.Val164TrpfsTer3. This variant is predicted to cause loss of normal protein function through protein truncation. Loss of function variants have been previously reported to be disease causing. For these reasons, this variant has been classified as Likely Pathogenic.

Labcorp Genetics (formerly Invitae), Labcorp
Classification: Pathogenic for Congenital dyserythropoietic anemia, type II; Cowden syndrome 7. Last evaluated: 2022-01-28. Review status: criteria provided, single submitter. Criteria: Invitae Variant Classification Sherloc (09022015). Collection method: clinical testing. Allele origin: germline.
Comment: This sequence change creates a premature translational stop signal (p.Val164Trpfs*3) in the SEC23B gene. It is expected to result in an absent or disrupted protein product. Loss-of-function variants in SEC23B are known to be pathogenic (PMID: 19561605, 25044164). This variant is present in population databases (rs776983439, gnomAD 0.01%). This premature translational stop signal has been observed in individual(s) with dyserythropoietic anemia type 2 (PMID: 29846281). For these reasons, this variant has been classified as Pathogenic.

Literature cited by the submitters: PubMed 19561605 (cited by Labcorp Genetics (formerly Invitae), Labcorp); PubMed 25044164 (cited by Labcorp Genetics (formerly Invitae), Labcorp); PubMed 29846281 (cited by Labcorp Genetics (formerly Invitae), Labcorp).

NM_006363.6(SEC23B):c.490del (p.Val164fs)

Genes: SEC23B (SEC23 homolog B, COPII component; plus strand), LOC126862987 (MED14-independent group 3 enhancer GRCh37_chr20:18504796-18505995; plus strand). Cytogenetic location: 20p11.23.
Variant type: Deletion.
Coding change: c.490del on transcript NM_006363.6 (MANE Select); coding-DNA position 490, one base deleted (G; older notation c.490delG).
Protein change: p.Val164fs; shifts the reading frame from valine 164.
Molecular consequence: frameshift variant.
Genome position (GRCh38, 1-based): chr20:18,524,556, G deleted; the last of 2 consecutive G bases (chr20:18,524,555-18,524,556); deleting either gives the same sequence. VCF-style (leftmost placement, unchanged base first): chr20-18524554-TG-T. GRCh37 (hg19) VCF-style: chr20-18505198-TG-T.
Other names: c.490del, p.Val164fs (NM_001172745.3, NM_032985.6, NM_032986.5); c.436del, p.Val146fs (NM_001172746.3); short protein forms V146fs, V164fs.
Identifiers: ClinVar variation 2152326 (VCV002152326.3), dbSNP rs776983439, ClinGen allele CA9778044.
Genomic context (GRCh38, chr20:18,524,554, plus strand): 5'-ACCTTCAAGCACTCAAAGAGTCCCTGCAGATGTCCCTGAGTCTTCTTCCTCCAGATGCTC[TG>T]GTGGGTCTGATCACATTTGGAAGGATGGTGCAGGTTCATGAGCTAAGCTGTGAAGGAATC-3'